The following is an entry in ClinVar:

ClinVar aggregate classification (germline): Conflicting classifications of pathogenicity. Review status: criteria provided, conflicting classifications (1 of 4 stars). 4 submissions from 4 submitters: Likely pathogenic (2); Uncertain significance (2). Last evaluated 2025-09-29.

Conditions:
Hereditary cancer-predisposing syndrome. Also called: Hereditary Cancer Syndrome; Neoplastic Syndromes, Hereditary; Hereditary neoplastic syndrome; Tumor predisposition. Identifiers: Orphanet 140162, MedGen C0027672, MeSH D009386, MONDO:0015356.
Hereditary nonpolyposis colorectal neoplasms. Identifiers: MedGen C0009405, MeSH D003123.
Lynch syndrome. Identifiers: Orphanet 144, MedGen C4552100, MONDO:0005835. Disease mechanism: loss of function.

Submissions (4):

Ambry Genetics
Classification: Likely pathogenic for Hereditary cancer-predisposing syndrome. Last evaluated: 2025-09-29. Review status: criteria provided, single submitter. Criteria: Ambry Variant Classification Scheme 2023. Collection method: clinical testing. Allele origin: germline.
Comment: The p.C1241Y variant (also known as c.3722G>A), located in coding exon 8 of the MSH6 gene, results from a G to A substitution at nucleotide position 3722. The cysteine at codon 1241 is replaced by tyrosine, an amino acid with highly dissimilar properties. This alteration has been observed in at least one individual with a personal and/or family history that is consistent with MSH6-related disease (Ambry internal data). This amino acid position is highly conserved in available vertebrate species. In addition, this alteration is predicted to be deleterious by in silico analysis. This variant is considered to be rare based on population cohorts in the Genome Aggregation Database (gnomAD). Based on the majority of available evidence to date, this variant is likely to be pathogenic.

Color Diagnostics, LLC DBA Color Health
Classification: Uncertain significance for Hereditary cancer-predisposing syndrome. Last evaluated: 2025-09-12. Review status: criteria provided, single submitter. Criteria: ACMG Guidelines, 2015. Collection method: clinical testing. Allele origin: germline.
Comment: This missense variant replaces cysteine with tyrosine at codon 1241 of the MSH6 protein. Computational prediction suggests that this variant may have deleterious impact on protein structure and function. To our knowledge, functional studies have not been reported for this variant. This variant has been reported in an individual affected with ovarian cancer (PMID: 23047549) and in an individual with colorectal cancer with microsatellite instability and loss of MSH6 (PMID: 30877237). This variant has not been identified in the general population by the Genome Aggregation Database (gnomAD). The available evidence is insufficient to determine the role of this variant in disease conclusively. Therefore, this variant is classified as a Variant of Uncertain Significance.

Labcorp Genetics (formerly Invitae), Labcorp
Classification: Uncertain significance for Hereditary nonpolyposis colorectal neoplasms. Last evaluated: 2025-06-03. Review status: criteria provided, single submitter. Criteria: Invitae Variant Classification Sherloc (09022015). Collection method: clinical testing. Allele origin: germline.
Comment: This sequence change replaces cysteine, which is neutral and slightly polar, with tyrosine, which is neutral and polar, at codon 1241 of the MSH6 protein (p.Cys1241Tyr). This variant is not present in population databases (gnomAD no frequency). This missense change has been observed in individual(s) with clinical features of Lynch syndrome (PMID: 23047549, 30877237). ClinVar contains an entry for this variant (Variation ID: 428361). Invitae Evidence Modeling of protein sequence and biophysical properties (such as structural, functional, and spatial information, amino acid conservation, physicochemical variation, residue mobility, and thermodynamic stability) indicates that this missense variant is expected to disrupt MSH6 protein function with a positive predictive value of 80%. In summary, the available evidence is currently insufficient to determine the role of this variant in disease. Therefore, it has been classified as a Variant of Uncertain Significance.

University of Washington Department of Laboratory Medicine, University of Washington
Classification: Likely pathogenic for Hereditary nonpolyposis colon cancer. Last evaluated: 2018-02-07. Review status: criteria provided, single submitter. Criteria: Shirts BH et al. (Genet Med 2016). Collection method: clinical testing. Allele origin: germline. Inheritance: Autosomal dominant inheritance. Affected: yes.
Comment: The variant occurs at a position that is evolutionarily conserved. Testing performed on tumor tissue of a patient with constitutional MSH6 p.C1241Y variant supports that this variant is likely pathogenic.

Literature cited by the submitters: PubMed 23047549 (cited by 4 submitters); PubMed 30877237 (cited by 3 submitters).

NM_000179.3(MSH6):c.3722G>A (p.Cys1241Tyr)

Gene: MSH6 (mutS homolog 6; plus strand). Cytogenetic location: 2p16.3.
Variant type: single nucleotide variant.
Coding change: c.3722G>A on transcript NM_000179.3 (MANE Select); coding-DNA position 3722, G replaced by A.
Protein change: p.Cys1241Tyr; replaces cysteine 1241 with tyrosine.
Molecular consequence: missense variant.
Genome position (GRCh38, 1-based): chr2:47,806,279, G>A. VCF-style: chr2-47806279-G-A. GRCh37 (hg19) VCF-style: chr2-48033418-G-A.
Other names: c.3332G>A, p.Cys1111Tyr (NM_001281492.2); c.2816G>A, p.Cys939Tyr (NM_001281493.2, NM_001281494.2); short protein forms C1241Y, C1111Y, C939Y.
Identifiers: ClinVar variation 428361 (VCV000428361.15), dbSNP rs1021631442, ClinGen allele CA46719383.